The following is an entry in ClinVar:

ClinVar aggregate classification (germline): Uncertain significance. Review status: criteria provided, multiple submitters, no conflicts (2 of 4 stars). 3 submissions from 3 submitters: Uncertain significance (3). Last evaluated 2026-07-24.

Conditions:
Cardiovascular phenotype. Identifiers: MedGen CN230736.
Naxos disease (NXD). Also called: CARDIOMYOPATHY, ARRHYTHMOGENIC RIGHT VENTRICULAR, WITH SKIN, HAIR, AND NAIL ABNORMALITIES; KERATOSIS PALMOPLANTARIS WITH ARRHYTHMOGENIC CARDIOMYOPATHY; MAL DE NAXOS; PALMOPLANTAR KERATODERMA WITH ARRHYTHMOGENIC RIGHT VENTRICULAR CARDIOMYOPATHY AND WOOLLY HAIR; WOOLLY HAIR, PALMOPLANTAR KERATODERMA, AND CARDIAC ABNORMALITIES. Identifiers: Orphanet 34217, MedGen C1832600, MONDO:0011017, OMIM 601214.
Arrhythmogenic right ventricular dysplasia 12. Also called: ARRHYTHMOGENIC RIGHT VENTRICULAR DYSPLASIA, FAMILIAL, 12. Identifiers: MedGen C1969081, MONDO:0012684, OMIM 611528.

gnomAD v4.1: 3 of 1,612,112 alleles (0.00019%); highest among the groups gnomAD compares: Admixed American, 0.0017%; no homozygotes.

Submissions (3):

Ambry Genetics
Classification: Uncertain significance for Cardiovascular phenotype. Last evaluated: 2026-07-24. Review status: criteria provided, single submitter. Criteria: Ambry Variant Classification Scheme 2023. Collection method: clinical testing. Allele origin: germline.
Comment: The p.R191L variant (also known as c.572G>T), located in coding exon 3 of the JUP gene, results from a G to T substitution at nucleotide position 572. The arginine at codon 191 is replaced by leucine, an amino acid with dissimilar properties. This amino acid position is conserved. In addition, this alteration is predicted to be deleterious by in silico analysis. Based on the available evidence, the clinical significance of this variant remains unclear.

Labcorp Genetics (formerly Invitae), Labcorp
Classification: Uncertain significance for Arrhythmogenic right ventricular dysplasia 12; Naxos disease. Last evaluated: 2026-01-02. Review status: criteria provided, single submitter. Criteria: Invitae Variant Classification Sherloc (09022015). Collection method: clinical testing. Allele origin: germline.
Comment: This sequence change replaces arginine, which is basic and polar, with leucine, which is neutral and non-polar, at codon 191 of the JUP protein (p.Arg191Leu). The frequency data for this variant in the population databases is considered unreliable, as metrics indicate poor data quality at this position in the gnomAD database. This variant has not been reported in the literature in individuals affected with JUP-related conditions. ClinVar contains an entry for this variant (Variation ID: 1684820). An algorithm developed to predict the effect of missense changes on protein structure and function (PolyPhen-2) suggests that this variant is likely to be tolerated. In summary, the available evidence is currently insufficient to determine the role of this variant in disease. Therefore, it has been classified as a Variant of Uncertain Significance.

Mendelics
Classification: Uncertain significance. Last evaluated: 2022-05-04. Review status: criteria provided, single submitter. Criteria: Mendelics Assertion Criteria 2019. Collection method: clinical testing. Allele origin: germline.

NM_002230.4(JUP):c.572G>T (p.Arg191Leu)

Gene: JUP (junction plakoglobin; minus strand). Cytogenetic location: 17q21.2.
Variant type: single nucleotide variant.
Coding change: c.572G>T on transcript NM_002230.4 (MANE Select); coding-DNA position 572, G replaced by T.
Protein change: p.Arg191Leu; replaces arginine 191 with leucine.
Molecular consequence: missense variant.
Genome position (GRCh38, 1-based): chr17:41,769,104, C>A on the plus strand (G>T on the coding strand, the complement: JUP is on the minus strand). VCF-style: chr17-41769104-C-A. GRCh37 (hg19) VCF-style: chr17-39925356-C-A.
Other names: c.572G>T, p.Arg191Leu (NM_001352773.2, NM_001352774.2, NM_001352775.2 and 3 more transcripts); c.572G>T (NM_002230.2); short protein forms R191L.
Identifiers: ClinVar variation 1684820 (VCV001684820.4), dbSNP rs143502391, ClinGen allele CA8565440.